The following is an entry in ClinVar:

ClinVar aggregate classification (germline): Uncertain significance. Review status: criteria provided, multiple submitters, no conflicts (2 of 4 stars). 2 submissions from 2 submitters: Uncertain significance (2). Last evaluated 2025-03-27.

Conditions:
LRRC45-related disorder. Also called: LRRC45-related condition.

Allele frequency attached by ClinVar (database versions not stated): gnomAD 0.00001; ExAC 0.00002; TOPMed 0.00002.
gnomAD v4.1: 43 of 1,605,972 alleles (0.0027%); highest among the groups gnomAD compares: Non-Finnish European, 0.0035%; no homozygotes.

Submissions (2):

PreventionGenetics, part of Exact Sciences
Classification: Uncertain significance for LRRC45-related condition. Last evaluated: 2025-03-27. Review status: criteria provided, single submitter. Criteria: ACMG Guidelines, 2015. Collection method: clinical testing. Allele origin: germline.
Comment: The LRRC45 c.400G>A variant is predicted to result in the amino acid substitution p.Ala134Thr. To our knowledge, this variant has not been reported in the literature. This variant is reported in 0.0034% of alleles in individuals of South Asian descent in gnomAD. At this time, the clinical significance of this variant is uncertain due to the absence of conclusive functional and genetic evidence.

Ambry Genetics
Classification: Uncertain significance. Last evaluated: 2024-01-03. Review status: criteria provided, single submitter. Criteria: Ambry Variant Classification Scheme 2023. Collection method: clinical testing. Allele origin: germline.

NM_144999.4(LRRC45):c.400G>A (p.Ala134Thr)

Gene: LRRC45 (leucine rich repeat containing 45; plus strand). Cytogenetic location: 17q25.3.
Variant type: single nucleotide variant.
Coding change: c.400G>A on transcript NM_144999.4 (MANE Select); coding-DNA position 400, G replaced by A.
Protein change: p.Ala134Thr; replaces alanine 134 with threonine.
Molecular consequence: missense variant.
Genome position (GRCh38, 1-based): chr17:82,025,046, G>A. VCF-style: chr17-82025046-G-A. GRCh37 (hg19) VCF-style: chr17-79982922-G-A.
Other names: c.400G>A (NM_144999.3); short protein forms A134T.
Identifiers: ClinVar variation 3120735 (VCV003120735.2), dbSNP rs749215699, ClinGen allele CA8847646.